The following is an entry in ClinVar:

NM_000465.4(BARD1):c.27C>G (p.Asn9Lys)

Gene: BARD1 (BRCA1 associated RING domain 1; minus strand). Cytogenetic location: 2q35.
Variant type: single nucleotide variant.
Coding change: c.27C>G on transcript NM_000465.4 (MANE Select); coding-DNA position 27, C replaced by G.
Protein change: p.Asn9Lys; replaces asparagine 9 with lysine.
Molecular consequence: missense variant. On other transcripts: non-coding transcript variant (3).
Genome position (GRCh38, 1-based): chr2:214,809,543, G>C on the plus strand (C>G on the coding strand, the complement: BARD1 is on the minus strand). VCF-style: chr2-214809543-G-C. GRCh37 (hg19) VCF-style: chr2-215674267-G-C.
Other names: c.27C>G, p.Asn9Lys (NM_001282543.2, NM_001282545.2, NM_001282548.2 and 1 more transcripts); short protein forms N9K.
Identifiers: ClinVar variation 1010941 (VCV001010941.9), dbSNP rs1038616344, ClinGen allele CA350465399.
Genomic context (GRCh38, chr2:214,809,543, plus strand): 5'-ATCCGGTTCCATGGCGGGCGCGGAACGAGGCTCGTTCCCGGAGCGGATCCTCGGCTGCCG[G>C]TTCCTCGGCTGCCGATTATCCGGCATCGTCCCGCCTTCGGATGAAAGGCTCCTCGCAGAG-3'
Protein context (NP_000456.2, residues 1-19): MPDNRQPR[Asn9Lys]RQPRIRSGNE

ClinVar aggregate classification (germline): Uncertain significance (1 of 4 stars; one submission).

Conditions:
Familial cancer of breast. Also called: BREAST CANCER, FAMILIAL; Hereditary breast cancer; hereditary breast carcinoma. Identifiers: Orphanet 227535, MedGen C0346153, MONDO:0016419, OMIM 114480. Disease mechanism: loss of function.

Submission:

Labcorp Genetics (formerly Invitae), Labcorp
Classification: Uncertain significance for Familial cancer of breast. Last evaluated: 2022-04-19. Review status: criteria provided, single submitter. Criteria: Invitae Variant Classification Sherloc (09022015). Collection method: clinical testing. Allele origin: germline.
Comment: This sequence change replaces asparagine, which is neutral and polar, with lysine, which is basic and polar, at codon 9 of the BARD1 protein (p.Asn9Lys). This variant is not present in population databases (gnomAD no frequency). This variant has not been reported in the literature in individuals affected with BARD1-related conditions. ClinVar contains an entry for this variant (Variation ID: 1010941). Algorithms developed to predict the effect of missense changes on protein structure and function (SIFT, PolyPhen-2, Align-GVGD) all suggest that this variant is likely to be tolerated. In summary, the available evidence is currently insufficient to determine the role of this variant in disease. Therefore, it has been classified as a Variant of Uncertain Significance.